The following is an entry in ClinVar:

ClinVar aggregate classification (germline): Uncertain significance (1 of 4 stars; one submission).

Submission:

Labcorp Genetics (formerly Invitae), Labcorp
Classification: Uncertain significance. Last evaluated: 2026-01-04. Review status: criteria provided, single submitter. Criteria: Invitae Variant Classification Sherloc (09022015). Collection method: clinical testing. Allele origin: germline.
Comment: This sequence change replaces tyrosine, which is neutral and polar, with cysteine, which is neutral and slightly polar, at codon 877 of the MSH3 protein (p.Tyr877Cys). This variant is not present in population databases (gnomAD no frequency). This variant has not been reported in the literature in individuals affected with MSH3-related conditions. ClinVar contains an entry for this variant (Variation ID: 2155748). An algorithm developed to predict the effect of missense changes on protein structure and function (PolyPhen-2) suggests that this variant is likely to be disruptive. In summary, the available evidence is currently insufficient to determine the role of this variant in disease. Therefore, it has been classified as a Variant of Uncertain Significance.

NM_002439.5(MSH3):c.2630A>G (p.Tyr877Cys)

Gene: MSH3 (mutS homolog 3; plus strand). Cytogenetic location: 5q14.1.
Variant type: single nucleotide variant.
Coding change: c.2630A>G on transcript NM_002439.5 (MANE Select); coding-DNA position 2630, A replaced by G.
Protein change: p.Tyr877Cys; replaces tyrosine 877 with cysteine.
Molecular consequence: missense variant.
Genome position (GRCh38, 1-based): chr5:80,792,819, A>G. VCF-style: chr5-80792819-A-G. GRCh37 (hg19) VCF-style: chr5-80088638-A-G.
Other names: short protein forms Y877C.
Identifiers: ClinVar variation 2155748 (VCV002155748.4), dbSNP rs1290348286, ClinGen allele CA360273015.